The following is an entry in ClinVar:

NM_000535.7(PMS2):c.487T>A (p.Phe163Ile)

Gene: PMS2 (PMS1 homolog 2, mismatch repair system component; minus strand). Cytogenetic location: 7p22.1.
Variant type: single nucleotide variant.
Coding change: c.487T>A on transcript NM_000535.7 (MANE Select); coding-DNA position 487, T replaced by A.
Protein change: p.Phe163Ile; replaces phenylalanine 163 with isoleucine.
Molecular consequence: missense variant. On other transcripts: non-coding transcript variant (1), intron variant (1), 5 prime UTR variant (2).
Genome position (GRCh38, 1-based): chr7:6,002,503, A>T on the plus strand (T>A on the coding strand, the complement: PMS2 is on the minus strand). VCF-style: chr7-6002503-A-T. GRCh37 (hg19) VCF-style: chr7-6042134-A-T.
Other names: c.82T>A, p.Phe28Ile (NM_001406909.1, NM_001406910.1, NM_001406911.1 and 24 more transcripts); c.487T>A, p.Phe163Ile (NM_001406912.1, NM_001406884.1, NM_001406886.1 and 8 more transcripts); c.250+1469T>A (NM_001406885.1); c.178T>A, p.Phe60Ile (NM_001406900.1, NM_001406879.1, NM_001406880.1 and 6 more transcripts); c.169T>A, p.Phe57Ile (NM_001406901.1, NM_001406902.1, NM_001406903.1 and 4 more transcripts); c.-398T>A (NM_001322011.2, NM_001322012.2); c.673T>A, p.Phe225Ile (NM_001406866.1); c.511T>A, p.Phe171Ile (NM_001406868.1); short protein forms F163I, F171I, F28I, F225I, F57I, F60I.
Identifiers: ClinVar variation 4842988 (VCV004842988.1).

ClinVar aggregate classification (germline): Uncertain significance (1 of 4 stars; one submission).

Conditions:
Hereditary cancer-predisposing syndrome. Also called: Neoplastic Syndromes, Hereditary; Tumor predisposition; Hereditary Cancer Syndrome; Hereditary neoplastic syndrome. Identifiers: Orphanet 140162, MedGen C0027672, MeSH D009386, MONDO:0015356.

Submission:

Ambry Genetics
Classification: Uncertain significance for Hereditary cancer-predisposing syndrome. Last evaluated: 2025-12-22. Review status: criteria provided, single submitter. Criteria: Ambry Variant Classification Scheme 2023. Collection method: clinical testing. Allele origin: germline.
Comment: The p.F163I variant (also known as c.487T>A), located in coding exon 5 of the PMS2 gene, results from a T to A substitution at nucleotide position 487. The phenylalanine at codon 163 is replaced by isoleucine, an amino acid with highly similar properties. This amino acid position is conserved. In addition, this alteration is predicted to be deleterious by in silico analysis. Based on the available evidence, the clinical significance of this variant remains unclear.